The following is an entry in ClinVar:

ClinVar aggregate classification (germline): Likely benign (1 of 4 stars; one submission).

Allele frequency attached by ClinVar (database versions not stated): 1000 Genomes Project 0.00200; 1000 Genomes Project 30x 0.00203; ESP Exome Variant Server 0.00300.
gnomAD v4.1: 5,004 of 1,613,994 alleles (0.31%); highest among the groups gnomAD compares: Non-Finnish European, 0.35%; 18 homozygotes.

Submission:

CeGaT Center for Human Genetics Tuebingen
Classification: Likely benign. Last evaluated: 2024-01-01. Review status: criteria provided, single submitter. Criteria: CeGaT Center For Human Genetics Tuebingen Variant Classification Criteria Version 2. Collection method: clinical testing. Allele origin: germline. Affected: yes. Observed: 1 variant allele.
Comment: PATJ: BP4, BS2

NM_001350145.3(PATJ):c.1007C>A (p.Pro336His)

Gene: PATJ (PATJ crumbs cell polarity complex component; plus strand). Cytogenetic location: 1p31.3.
Variant type: single nucleotide variant.
Coding change: c.1007C>A on transcript NM_001350145.3 (MANE Select); coding-DNA position 1007, C replaced by A.
Protein change: p.Pro336His; replaces proline 336 with histidine.
Molecular consequence: missense variant.
Genome position (GRCh38, 1-based): chr1:61,787,911, C>A. VCF-style: chr1-61787911-C-A. GRCh37 (hg19) VCF-style: chr1-62253583-C-A.
Other names: c.1007C>A, p.Pro336His (NM_170605.2, NM_176877.5); short protein forms P336H.
Identifiers: ClinVar variation 3024715 (VCV003024715.22), dbSNP rs142273680, ClinGen allele CA881887.